The following is an entry in ClinVar:

ClinVar aggregate classification (germline): Benign/Likely benign. Review status: criteria provided, multiple submitters, no conflicts (2 of 4 stars). 2 submissions from 2 submitters: Benign (1); Likely benign (1). Last evaluated 2025-02-21.

Conditions:
Hereditary cancer-predisposing syndrome. Also called: Tumor predisposition; Neoplastic Syndromes, Hereditary; Hereditary Cancer Syndrome; Hereditary neoplastic syndrome. Identifiers: Orphanet 140162, MedGen C0027672, MeSH D009386, MONDO:0015356.
Lynch syndrome 5 (LYNCH5). Also called: Hereditary non-polyposis colorectal cancer, type 5; Colorectal cancer, hereditary nonpolyposis, type 5. Identifiers: Orphanet 144, MedGen C1833477, MONDO:0013710, OMIM 614350. Disease mechanism: loss of function.

Submissions (2):

Ambry Genetics
Classification: Likely benign for Hereditary cancer-predisposing syndrome. Last evaluated: 2025-02-21. Review status: criteria provided, single submitter. Criteria: Ambry Variant Classification Scheme 2023. Collection method: clinical testing. Allele origin: germline.

Myriad Genetics, Inc.
Classification: Benign for Lynch syndrome 5. Last evaluated: 2025-01-07. Review status: criteria provided, single submitter. Criteria: Myriad Autosomal Dominant, Autosomal Recessive and X-Linked Classification Criteria (2023). Collection method: clinical testing. Allele origin: unknown.
Comment: This variant is considered benign. This variant is a silent/synonymous amino acid change and it is not expected to impact splicing.

NM_000179.3(MSH6):c.3549A>C (p.Ile1183=)

Gene: MSH6 (mutS homolog 6; plus strand). Cytogenetic location: 2p16.3.
Variant type: single nucleotide variant.
Coding change: c.3549A>C on transcript NM_000179.3 (MANE Select); coding-DNA position 3549, A replaced by C.
Protein change: p.Ile1183=; no amino-acid change (isoleucine 1183 retained).
Molecular consequence: synonymous variant. On other transcripts: non-coding transcript variant (4).
Genome position (GRCh38, 1-based): chr2:47,805,020, A>C. VCF-style: chr2-47805020-A-C. GRCh37 (hg19) VCF-style: chr2-48032159-A-C.
Other names: c.3159A>C, p.Ile1053= (NM_001281492.2); c.2643A>C, p.Ile881= (NM_001281493.2, NM_001281494.2, NM_001406811.1 and 6 more transcripts); c.3645A>C, p.Ile1215= (NM_001406795.1, NM_001406802.1); c.3549A>C, p.Ile1183= (NM_001406796.1, NM_001406800.1, NM_001406808.1 and 1 more transcripts); c.3252A>C, p.Ile1084= (NM_001406797.1, NM_001406801.1, NM_001406805.1 and 10 more transcripts); c.3375A>C, p.Ile1125= (NM_001406798.1); c.3024A>C, p.Ile1008= (NM_001406799.1, NM_001406806.1, NM_001406807.1); c.2685A>C, p.Ile895= (NM_001406803.1); and 7 more.
Identifiers: ClinVar variation 3875095 (VCV003875095.2).
Genomic context (GRCh38, chr2:47,805,020, plus strand): 5'-AGTGTGCAGGCTCACACCAATTGATAGAGTGTTTACTAGACTTGGTGCCTCAGACAGAAT[A>C]ATGTCAGGTGAGTTTTTTGTTTCCCACTTAAGTTCTCATTCAGTCATTTAGATGTGATAA-3'
Protein context (NP_000170.1, residues 1173-1193): VFTRLGASDR[Ile1183=]MSGESTFFVE